The following is an entry in ClinVar:

ClinVar aggregate classification (germline): Uncertain significance (1 of 4 stars; one submission).

Conditions:
Tuberous sclerosis 2 (TSC2). Identifiers: Orphanet 805, MedGen C1860707, MONDO:0013199, OMIM 613254.

Submission:

Labcorp Genetics (formerly Invitae), Labcorp
Classification: Uncertain significance for Tuberous sclerosis 2. Last evaluated: 2024-02-10. Review status: criteria provided, single submitter. Criteria: Invitae Variant Classification Sherloc (09022015). Collection method: clinical testing. Allele origin: germline.
Comment: This sequence change replaces leucine, which is neutral and non-polar, with proline, which is neutral and non-polar, at codon 750 of the TSC2 protein (p.Leu750Pro). This variant is not present in population databases (gnomAD no frequency). This missense change has been observed in individual(s) with tuberous sclerosis complex (PMID: 31927531). This variant is also known as p.Leu713Pro. Advanced modeling of protein sequence and biophysical properties (such as structural, functional, and spatial information, amino acid conservation, physicochemical variation, residue mobility, and thermodynamic stability) performed at Invitae indicates that this missense variant is not expected to disrupt TSC2 protein function with a negative predictive value of 95%. In summary, the available evidence is currently insufficient to determine the role of this variant in disease. Therefore, it has been classified as a Variant of Uncertain Significance.

Literature cited by the submitters: PubMed 31927531.

NM_000548.5(TSC2):c.2249T>C (p.Leu750Pro)

Gene: TSC2 (TSC complex subunit 2; plus strand). Cytogenetic location: 16p13.3.
Variant type: single nucleotide variant.
Coding change: c.2249T>C on transcript NM_000548.5 (MANE Select); coding-DNA position 2249, T replaced by C.
Protein change: p.Leu750Pro; replaces leucine 750 with proline.
Molecular consequence: missense variant. On other transcripts: non-coding transcript variant (5).
Genome position (GRCh38, 1-based): chr16:2,072,877, T>C. VCF-style: chr16-2072877-T-C. GRCh37 (hg19) VCF-style: chr16-2122878-T-C.
Other names: c.2102T>C, p.Leu701Pro (NM_001406676.1, NM_001406679.1, NM_001318829.2 and 1 more transcripts); c.2192T>C, p.Leu731Pro (NM_001406677.1); c.2138T>C, p.Leu713Pro (NM_001406678.1, NM_001318827.2, NM_001406670.1); c.1649T>C, p.Leu550Pro (NM_001406680.1, NM_001406682.1, NM_001406683.1 and 6 more transcripts); c.1787T>C, p.Leu596Pro (NM_001406681.1); c.905T>C, p.Leu302Pro (NM_001406695.1, NM_001406696.1, NM_001406697.1 and 6 more transcripts); c.647T>C, p.Leu216Pro (NM_001406698.1); c.2249T>C, p.Leu750Pro (NM_021055.3, NM_001077183.3, NM_001114382.3 and 6 more transcripts); and 3 more; short protein forms L596P, L731P, L780P, L750P, L701P, L746P, L761P, L216P.
Identifiers: ClinVar variation 3637199 (VCV003637199.2).